The following is an entry in ClinVar:

ClinVar aggregate classification (germline): Uncertain significance. Review status: criteria provided, multiple submitters, no conflicts (2 of 4 stars). 2 submissions from 2 submitters: Uncertain significance (2). Last evaluated 2025-09-26.

Conditions:
Atypical hemolytic-uremic syndrome. Identifiers: Orphanet 2134, MedGen C2931788, MONDO:0016244.
Atypical hemolytic-uremic syndrome with I factor anomaly. Also called: HEMOLYTIC UREMIC SYNDROME, ATYPICAL, SUSCEPTIBILITY TO, 3; AHUS, SUSCEPTIBILITY TO, 3. Identifiers: Orphanet 2134, MedGen C2752039, MONDO:0013041, OMIM 612923.
Factor I deficiency (CFID). Also called: Complement factor I deficiency. Identifiers: Orphanet 200418, MedGen C3463916, MONDO:0012594, OMIM 610984.
Age related macular degeneration 13. Identifiers: MedGen C3809523, MONDO:0014189, OMIM 615439.

Submissions (2):

Genomenon, Inc
Classification: Uncertain significance for Atypical hemolytic-uremic syndrome. Last evaluated: 2025-09-26. Review status: criteria provided, single submitter. Criteria: Genomenon Sequence Variant Interpretation Standards - Updated. Collection method: curation. Allele origin: germline. Affected: yes.
Comment: CFI p.Val397Leu (c.1189G>T) is a missense variant that changes the amino acid at residue 397 from Valine to Leucine. This variant has been observed in at least one proband affected with atypical hemolytic-uremic syndrome (PMID:35619721). It is absent or not present at a significant frequency in gnomAD. In silico models agree that this variant is not damaging. In conclusion, we classify CFI p.Val397Leu (c.1189G>T) as a variant of unknown significance.

Fulgent Genetics
Classification: Uncertain significance for Factor I deficiency; Atypical hemolytic-uremic syndrome with I factor anomaly; Age related macular degeneration 13. Last evaluated: 2024-03-26. Review status: criteria provided, single submitter. Criteria: ACMG Guidelines, 2015. Collection method: clinical testing. Allele origin: germline.

Literature cited by the submitters: PubMed 35619721 (cited by Genomenon, Inc).

NM_000204.5(CFI):c.1189G>T (p.Val397Leu)

Gene: CFI (complement factor I; minus strand). Cytogenetic location: 4q25.
Variant type: single nucleotide variant.
Coding change: c.1189G>T on transcript NM_000204.5 (MANE Select); coding-DNA position 1189, G replaced by T.
Protein change: p.Val397Leu; replaces valine 397 with leucine.
Molecular consequence: missense variant. On other transcripts: non-coding transcript variant (2).
Genome position (GRCh38, 1-based): chr4:109,746,462, C>A on the plus strand (G>T on the coding strand, the complement: CFI is on the minus strand). VCF-style: chr4-109746462-C-A. GRCh37 (hg19) VCF-style: chr4-110667618-C-A.
Other names: c.1168G>T, p.Val390Leu (NM_001331035.2, NM_001375280.1, NM_001375282.1); c.1213G>T, p.Val405Leu (NM_001375278.1, NM_001318057.2); c.1189G>T, p.Val397Leu (NM_001375279.1, NM_001375281.1); c.1132G>T, p.Val378Leu (NM_001375283.1); c.580G>T, p.Val194Leu (NM_001375284.1); short protein forms V378L, V405L, V194L, V390L, V397L.
Identifiers: ClinVar variation 3589749 (VCV003589749.2).